The following is an entry in ClinVar:

ClinVar aggregate classification (germline): Conflicting classifications of pathogenicity. Review status: criteria provided, conflicting classifications (1 of 4 stars). 7 submissions from 7 submitters: Likely pathogenic (1); Uncertain significance (2); Benign (2); Likely benign (1). 1 of the submissions does not count toward it. Last evaluated 2026-09-22.

Conditions:
Meckel syndrome 13 (MKS13). Identifiers: MedGen C4539714, MONDO:0033044, OMIM 617562.
Leukoencephalopathy with calcifications and cysts. Also called: LABRUNE SYNDROME; Leukoencephalopathy, brain calcifications, and cysts. Identifiers: Orphanet 542310, MedGen C3281200, MONDO:0013803, OMIM 614561.

Allele frequency attached by ClinVar (database versions not stated): 1000 Genomes Project 0.00160; 1000 Genomes Project 30x 0.00187; ESP Exome Variant Server 0.00314.
gnomAD v4.1: 2,288 of 764,340 alleles (0.3%); highest among the groups gnomAD compares: Non-Finnish European, 0.31%; 15 homozygotes.

Submissions (7):

GeneDx
Classification: Likely pathogenic. Last evaluated: 2026-09-22. Review status: criteria provided, single submitter. Criteria: GeneDx Variant Classification Process June 2021. Collection method: clinical testing. Allele origin: germline.
Comment: Located in a non-coding RNA; Changes a conserved or moderately conserved Watson-Crick match, which is predicted to affect secondary structure/function; This variant is associated with the following publications: (PMID: 33029936, 34220662, 32359472, 27571260, Saavedra2025[CaseReport])

CeGaT Center for Human Genetics Tuebingen
Classification: Likely benign. Last evaluated: 2026-08-01. Review status: criteria provided, single submitter. Criteria: CeGaT Center For Human Genetics Tuebingen Variant Classification Criteria Version 2. Collection method: clinical testing. Allele origin: germline. Affected: yes. Observed: 13 variant alleles.
Comment: TMEM107: BS2; SNORD118: BS2

Labcorp Genetics (formerly Invitae), Labcorp
Classification: Benign. Last evaluated: 2025-12-25. Review status: criteria provided, single submitter. Criteria: Invitae Variant Classification Sherloc (09022015). Collection method: clinical testing. Allele origin: germline.

Blueprint Genetics
Classification: Uncertain significance. Last evaluated: 2024-11-27. Review status: criteria provided, single submitter. Criteria: ACMG Guidelines, 2015. Collection method: clinical testing. Allele origin: germline.

Mendelics
Classification: Benign. Last evaluated: 2022-05-04. Review status: criteria provided, single submitter. Criteria: Mendelics Assertion Criteria 2019. Collection method: clinical testing. Allele origin: germline.

Department of Pathology and Laboratory Medicine, Sinai Health System
Classification: Uncertain significance for Meckel syndrome 13. Last evaluated: 2022-04-20. Review status: criteria provided, single submitter. Criteria: ACMG Guidelines, 2015. Collection method: research. Allele origin: germline.

Laboratory of Neurogenetics and Neuroinflammation, Institut Imagine
Classification: Pathogenic for Leukoencephalopathy, brain calcifications, and cysts. Last evaluated: 2020-04-06. Review status: no assertion criteria provided. Collection method: clinical testing. Allele origin: germline. Affected: yes. Observed: 1 variant allele. Not counted in ClinVar's aggregate classification.

NR_033294.2(SNORD118):n.8G>A

Genes: SNORD118 (small nucleolar RNA, C/D box 118; minus strand), TMEM107 (transmembrane protein 107; minus strand). Cytogenetic location: 17p13.1.
Variant type: single nucleotide variant.
Molecular consequence: non-coding transcript variant (on NR_033294.2). On other transcripts: 3 prime UTR variant (5).
Genome position: GRCh38 VCF-style: chr17-8173581-C-T. GRCh37 (hg19) VCF-style: chr17-8076899-C-T.
Other names: c.*622G>A (NM_001351278.2, NM_001351279.2, NM_001351280.2 and 2 more transcripts).
Identifiers: ClinVar variation 929293 (VCV000929293.44), dbSNP rs201266955, ClinGen allele CA8370835.